The following is an entry in ClinVar:

ClinVar aggregate classification (germline): Uncertain significance. Review status: criteria provided, multiple submitters, no conflicts (2 of 4 stars). 2 submissions from 2 submitters: Uncertain significance (2). Last evaluated 2025-08-19.

Conditions:
Renal cell carcinoma. Identifiers: Orphanet 217071, MedGen C0007134, MeSH D002292, MONDO:0005086, HP:0005584.
Hereditary cancer-predisposing syndrome. Also called: Tumor predisposition; Neoplastic Syndromes, Hereditary; Hereditary neoplastic syndrome; Hereditary Cancer Syndrome. Identifiers: Orphanet 140162, MedGen C0027672, MeSH D009386, MONDO:0015356.

gnomAD v4.1: 2 of 1,614,154 alleles (0.00012%); no homozygotes.

Submissions (2):

Ambry Genetics
Classification: Uncertain significance for Hereditary cancer-predisposing syndrome. Last evaluated: 2025-08-19. Review status: criteria provided, single submitter. Criteria: Ambry Variant Classification Scheme 2023. Collection method: clinical testing. Allele origin: germline.
Comment: The p.C526F variant (also known as c.1577G>T), located in coding exon 4 of the MET gene, results from a G to T substitution at nucleotide position 1577. The cysteine at codon 526 is replaced by phenylalanine, an amino acid with highly dissimilar properties. This amino acid position is highly conserved in available vertebrate species. In addition, this alteration is predicted to be deleterious by in silico analysis. Based on the available evidence, the clinical significance of this variant remains unclear.

Labcorp Genetics (formerly Invitae), Labcorp
Classification: Uncertain significance for Renal cell carcinoma. Last evaluated: 2025-04-27. Review status: criteria provided, single submitter. Criteria: Invitae Variant Classification Sherloc (09022015). Collection method: clinical testing. Allele origin: germline.
Comment: This sequence change replaces cysteine, which is neutral and slightly polar, with phenylalanine, which is neutral and non-polar, at codon 526 of the MET protein (p.Cys526Phe). This variant is not present in population databases (gnomAD no frequency). This variant has not been reported in the literature in individuals affected with MET-related conditions. Invitae Evidence Modeling of protein sequence and biophysical properties (such as structural, functional, and spatial information, amino acid conservation, physicochemical variation, residue mobility, and thermodynamic stability) indicates that this missense variant is expected to disrupt MET protein function with a positive predictive value of 80%. In summary, the available evidence is currently insufficient to determine the role of this variant in disease. Therefore, it has been classified as a Variant of Uncertain Significance.

NM_000245.4(MET):c.1577G>T (p.Cys526Phe)

Gene: MET (MET proto-oncogene, receptor tyrosine kinase; plus strand). Cytogenetic location: 7q31.2.
Variant type: single nucleotide variant.
Coding change: c.1577G>T on transcript NM_000245.4 (MANE Select); coding-DNA position 1577, G replaced by T.
Protein change: p.Cys526Phe; replaces cysteine 526 with phenylalanine.
Molecular consequence: missense variant.
Genome position (GRCh38, 1-based): chr7:116,740,901, G>T. VCF-style: chr7-116740901-G-T. GRCh37 (hg19) VCF-style: chr7-116380955-G-T.
Other names: c.1577G>T, p.Cys526Phe (NM_001127500.3, NM_001324401.3); c.287G>T, p.Cys96Phe (NM_001324402.2); short protein forms C96F, C526F.
Identifiers: ClinVar variation 4106777 (VCV004106777.2).